The following is an entry in ClinVar:

NM_001387690.1(KATNAL2):c.387G>A (p.Arg129=)

Gene: KATNAL2 (katanin catalytic subunit A1 like 2; plus strand). Cytogenetic location: 18q21.1.
Variant type: single nucleotide variant.
Coding change: c.387G>A on transcript NM_001387690.1 (MANE Select); coding-DNA position 387, G replaced by A.
Protein change: p.Arg129=; no amino-acid change (arginine 129 retained).
Molecular consequence: synonymous variant. On other transcripts: non-coding transcript variant (1).
Genome position (GRCh38, 1-based): chr18:47,058,289, G>A. VCF-style: chr18-47058289-G-A. GRCh37 (hg19) VCF-style: chr18-44584660-G-A.
Other names: c.465G>A, p.Arg155= (NM_001353899.1, NM_001353902.1); c.462G>A, p.Arg154= (NM_001353900.1); c.387G>A, p.Arg129= (NM_001353901.1, NM_001367621.1); c.54G>A, p.Arg18= (NM_001353903.1, NM_001353904.1, NM_001353905.1 and 4 more transcripts); c.171G>A, p.Arg57= (NM_031303.3).
Identifiers: ClinVar variation 3041342 (VCV003041342.2), dbSNP rs150471899, ClinGen allele CA8954931.

ClinVar aggregate classification (germline): Likely benign (0 of 4 stars; one submission).

Conditions:
KATNAL2-related disorder. Also called: KATNAL2-related condition.

Allele frequency attached by ClinVar (database versions not stated): 1000 Genomes Project 30x 0.00031; 1000 Genomes Project 0.00040.
gnomAD v4.1: 48 of 1,614,058 alleles (0.003%); highest among the groups gnomAD compares: South Asian, 0.047%; no homozygotes.

Submission:

PreventionGenetics, part of Exact Sciences
Classification: Likely benign for KATNAL2-related condition. Last evaluated: 2019-05-13. Review status: no assertion criteria provided. Collection method: clinical testing. Allele origin: germline.
Comment: This variant is classified as likely benign based on ACMG/AMP sequence variant interpretation guidelines (Richards et al. 2015 PMID: 25741868, with internal and published modifications).